The following is an entry in ClinVar:

NM_000179.3(MSH6):c.2110G>C (p.Ala704Pro)

Gene: MSH6 (mutS homolog 6; plus strand). Cytogenetic location: 2p16.3.
Variant type: single nucleotide variant.
Coding change: c.2110G>C on transcript NM_000179.3 (MANE Select); coding-DNA position 2110, G replaced by C.
Protein change: p.Ala704Pro; replaces alanine 704 with proline.
Molecular consequence: missense variant. On other transcripts: non-coding transcript variant (5), intron variant (2).
Genome position (GRCh38, 1-based): chr2:47,800,093, G>C. VCF-style: chr2-47800093-G-C. GRCh37 (hg19) VCF-style: chr2-48027232-G-C.
Other names: c.1720G>C, p.Ala574Pro (NM_001281492.2); c.1204G>C, p.Ala402Pro (NM_001281493.2, NM_001281494.2, NM_001406811.1 and 6 more transcripts); c.2206G>C, p.Ala736Pro (NM_001406795.1, NM_001406802.1); c.2110G>C, p.Ala704Pro (NM_001406796.1, NM_001406798.1, NM_001406800.1 and 3 more transcripts); c.1813G>C, p.Ala605Pro (NM_001406797.1, NM_001406801.1, NM_001406805.1 and 10 more transcripts); c.1585G>C, p.Ala529Pro (NM_001406799.1, NM_001406806.1, NM_001406807.1); c.2032G>C, p.Ala678Pro (NM_001406804.1); c.2116G>C, p.Ala706Pro (NM_001406813.1); and 3 more; short protein forms A402P, A529P, A574P, A605P, A648P, A678P, A704P, A706P.
Identifiers: ClinVar variation 4800210 (VCV004800210.1).

ClinVar aggregate classification (germline): Uncertain significance (1 of 4 stars; one submission).

Conditions:
Hereditary nonpolyposis colorectal neoplasms. Identifiers: MedGen C0009405, MeSH D003123.

Submission:

Labcorp Genetics (formerly Invitae), Labcorp
Classification: Uncertain significance for Hereditary nonpolyposis colorectal neoplasms. Last evaluated: 2026-01-19. Review status: criteria provided, single submitter. Criteria: Invitae Variant Classification Sherloc (09022015). Collection method: clinical testing. Allele origin: germline.
Comment: This sequence change replaces alanine, which is neutral and non-polar, with proline, which is neutral and non-polar, at codon 704 of the MSH6 protein (p.Ala704Pro). This variant is not present in population databases (gnomAD no frequency). This variant has not been reported in the literature in individuals affected with MSH6-related conditions. Invitae Evidence Modeling of protein sequence and biophysical properties (such as structural, functional, and spatial information, amino acid conservation, physicochemical variation, residue mobility, and thermodynamic stability) indicates that this missense variant is not expected to disrupt MSH6 protein function with a negative predictive value of 95%. In summary, the available evidence is currently insufficient to determine the role of this variant in disease. Therefore, it has been classified as a Variant of Uncertain Significance.